The following is an entry in ClinVar:

ClinVar aggregate classification (germline): Uncertain significance (1 of 4 stars; one submission).

Allele frequency attached by ClinVar (database versions not stated): gnomAD 0.00002; TOPMed 0.00005.
gnomAD v4.1: 17 of 1,613,014 alleles (0.0011%); highest among the groups gnomAD compares: African/African-American, 0.004%; no homozygotes.

Submission:

Labcorp Genetics (formerly Invitae), Labcorp
Classification: Uncertain significance. Last evaluated: 2025-04-13. Review status: criteria provided, single submitter. Criteria: Invitae Variant Classification Sherloc (09022015). Collection method: clinical testing. Allele origin: germline.
Comment: This sequence change replaces valine, which is neutral and non-polar, with alanine, which is neutral and non-polar, at codon 4 of the GABRB1 protein (p.Val4Ala). This variant is present in population databases (rs773242206, gnomAD 0.004%). This variant has not been reported in the literature in individuals affected with GABRB1-related conditions. ClinVar contains an entry for this variant (Variation ID: 1926971). Invitae Evidence Modeling of protein sequence and biophysical properties (such as structural, functional, and spatial information, amino acid conservation, physicochemical variation, residue mobility, and thermodynamic stability) indicates that this missense variant is not expected to disrupt GABRB1 protein function with a negative predictive value of 95%. In summary, the available evidence is currently insufficient to determine the role of this variant in disease. Therefore, it has been classified as a Variant of Uncertain Significance.

NM_000812.4(GABRB1):c.11T>C (p.Val4Ala)

Gene: GABRB1 (gamma-aminobutyric acid type A receptor subunit beta1; plus strand). Cytogenetic location: 4p12.
Variant type: single nucleotide variant.
Coding change: c.11T>C on transcript NM_000812.4 (MANE Select); coding-DNA position 11, T replaced by C.
Protein change: p.Val4Ala; replaces valine 4 with alanine.
Molecular consequence: missense variant.
Genome position (GRCh38, 1-based): chr4:47,031,662, T>C. VCF-style: chr4-47031662-T-C. GRCh37 (hg19) VCF-style: chr4-47033679-T-C.
Other names: short protein forms V4A.
Identifiers: ClinVar variation 1926971 (VCV001926971.5), dbSNP rs773242206, ClinGen allele CA2907378.